The following is an entry in ClinVar:

ClinVar aggregate classification (germline): Uncertain significance (1 of 4 stars; one submission).

Conditions:
Inborn genetic diseases. Identifiers: MedGen C0950123, MeSH D030342.

Allele frequency attached by ClinVar (database versions not stated): gnomAD exomes below 0.00001.
gnomAD v4.1: 2 of 1,614,170 alleles (0.00012%); highest among the groups gnomAD compares: Non-Finnish European, 0.00017%; no homozygotes.

Submission:

Ambry Genetics
Classification: Uncertain significance for Inborn genetic diseases. Last evaluated: 2023-08-29. Review status: criteria provided, single submitter. Criteria: Ambry Variant Classification Scheme 2023. Collection method: clinical testing. Allele origin: germline.
Comment: The p.L341S variant (also known as c.1022T>C), located in coding exon 4 of the ATR gene, results from a T to C substitution at nucleotide position 1022. The leucine at codon 341 is replaced by serine, an amino acid with dissimilar properties. This amino acid position is conserved. In addition, this alteration is predicted to be tolerated by in silico analysis. Since supporting evidence is limited at this time, the clinical significance of this alteration remains unclear.

NM_001184.4(ATR):c.1022T>C (p.Leu341Ser)

Gene: ATR (ATR checkpoint kinase; minus strand). Cytogenetic location: 3q23.
Variant type: single nucleotide variant.
Coding change: c.1022T>C on transcript NM_001184.4 (MANE Select); coding-DNA position 1022, T replaced by C.
Protein change: p.Leu341Ser; replaces leucine 341 with serine.
Molecular consequence: missense variant.
Genome position (GRCh38, 1-based): chr3:142,562,380, A>G on the plus strand (T>C on the coding strand, the complement: ATR is on the minus strand). VCF-style: chr3-142562380-A-G. GRCh37 (hg19) VCF-style: chr3-142281222-A-G.
Other names: c.1022T>C, p.Leu341Ser (NM_001354579.2); short protein forms L341S.
Identifiers: ClinVar variation 1764565 (VCV001764565.3), dbSNP rs2473425689, ClinGen allele CA354823986.